The following is an entry in ClinVar:

ClinVar aggregate classification (germline): Conflicting classifications of pathogenicity. Review status: criteria provided, conflicting classifications (1 of 4 stars). 2 submissions from 2 submitters: Likely pathogenic (1); Uncertain significance (1). Last evaluated 2026-01-10.

Conditions:
Hypertrophic cardiomyopathy 12. Identifiers: MedGen C2677491, MONDO:0012804, OMIM 612124.
Dilated cardiomyopathy 1M (CMD1M). Identifiers: Orphanet 154, MedGen C1843808, MONDO:0011840, OMIM 607482.

Allele frequency attached by ClinVar (database versions not stated): gnomAD exomes 0.00001; TOPMed below 0.00001.

Submissions (2):

Labcorp Genetics (formerly Invitae), Labcorp
Classification: Likely pathogenic for Hypertrophic cardiomyopathy 12; Dilated cardiomyopathy 1M. Last evaluated: 2026-01-10. Review status: criteria provided, single submitter. Criteria: Invitae Variant Classification Sherloc (09022015). Collection method: clinical testing. Allele origin: germline.
Comment: This sequence change is expected to alter the c-terminus of the CSRP3 protein (p.Ala43Valfs*165). While this is not anticipated to result in nonsense mediated decay, it is expected to disrupt the last 152 amino acid(s) of the CSRP3 protein and extend the protein by 12 additional amino acid residues. This variant is present in population databases (no rsID available, gnomAD 0.003%). This frameshift has been observed in individuals with clinical features of hypertrophic cardiomyopathy (PMID: 16352453, 21425739; internal data). ClinVar contains an entry for this variant (Variation ID: 847161). In summary, the currently available evidence indicates that the variant is pathogenic, but additional data are needed to prove that conclusively. Therefore, this variant has been classified as Likely Pathogenic.

GeneDx
Classification: Uncertain significance. Last evaluated: 2019-04-16. Review status: criteria provided, single submitter. Criteria: GeneDx Variant Classification Process June 2021. Collection method: clinical testing. Allele origin: germline. Affected: yes.
Comment: Frameshift variant predicted to result in an abnormal protein product that, if stable, is expected to result in loss of the last 152 amino acids and replacement with 164 incorrect amino acids; Not observed at a significant frequency in large population cohorts (Lek et al., 2016); This variant is associated with the following publications: (PMID: 16352453)

Literature cited by the submitters: PubMed 16352453 (cited by Labcorp Genetics (formerly Invitae), Labcorp); PubMed 21425739 (cited by Labcorp Genetics (formerly Invitae), Labcorp).

NM_003476.5(CSRP3):c.128del (p.Ala43fs)

Gene: CSRP3 (cysteine and glycine rich protein 3; minus strand). Cytogenetic location: 11p15.1.
Variant type: Deletion.
Coding change: c.128del on transcript NM_003476.5 (MANE Select); coding-DNA position 128, one base deleted (C; older notation c.128delC).
Protein change: p.Ala43fs; shifts the reading frame from alanine 43.
Molecular consequence: frameshift variant. On other transcripts: intron variant (1).
Genome position (GRCh38, 1-based): chr11:19,188,289, G deleted on the plus strand (C on the coding strand, the reverse complement: CSRP3 is on the minus strand). VCF-style (leftmost placement, unchanged base first): chr11-19188288-AG-A. GRCh37 (hg19) VCF-style: chr11-19209835-AG-A.
Other names: c.113-1941del (NM_001369404.1); short protein forms A43fs.
Identifiers: ClinVar variation 847161 (VCV000847161.12), dbSNP rs1187710437, ClinGen allele CA597900292.